The following is an entry in ClinVar:

ClinVar aggregate classification (germline): Pathogenic (1 of 4 stars; one submission).

Conditions:
Duchenne muscular dystrophy (DMD). Also called: Duchenne Muscular Dystrophy (DMD); MUSCULAR DYSTROPHY, PSEUDOHYPERTROPHIC PROGRESSIVE, DUCHENNE TYPE. Identifiers: Orphanet 98896, MedGen C0013264, MONDO:0010679, OMIM 310200.

Submission:

Labcorp Genetics (formerly Invitae), Labcorp
Classification: Pathogenic for Duchenne muscular dystrophy. Last evaluated: 2024-01-10. Review status: criteria provided, single submitter. Criteria: Invitae Variant Classification Sherloc (09022015). Collection method: clinical testing. Allele origin: germline.
Comment: This variant is a gross deletion of the genomic region encompassing exon(s) 17 of the DMD gene. This deletion is out-of-frame, and is expected to create a premature termination codon and result in an absent or disrupted protein product. Loss-of-function variants in DMD are known to be pathogenic (PMID: 16770791, 25007885). A similar copy number variant has been observed in individual(s) with Duchenne or Becker muscular dystrophy (PMID: 7668256, 21180173, 21515508). For these reasons, this variant has been classified as Pathogenic.

Literature cited by the submitters: PubMed 16770791; PubMed 25007885; PubMed 7668256; PubMed 21180173; PubMed 21515508.

NC_000023.10:g.(?_32563256)_(32563471_?)del

Gene: DMD (dystrophin; minus strand). Cytogenetic location: Xp21.1.
Variant type: Deletion.
Identifiers: ClinVar variation 1459697 (VCV001459697.6).